The following is an entry in ClinVar:

ClinVar aggregate classification (germline): Uncertain significance (1 of 4 stars; one submission).

Conditions:
Progressive myoclonic epilepsy. Also called: Familial progressive myoclonic epilepsy; Myoclonic Epilepsies, Progressive; Myoclonus epilepsy; Progressive myoclonus epilepsy. Identifiers: Orphanet 308, Orphanet 98261, MedGen C0751778, MONDO:0020074.

Submission:

Labcorp Genetics (formerly Invitae), Labcorp
Classification: Uncertain significance for Progressive myoclonic epilepsy. Last evaluated: 2023-11-27. Review status: criteria provided, single submitter. Criteria: Invitae Variant Classification Sherloc (09022015). Collection method: clinical testing. Allele origin: germline.
Comment: This sequence change replaces histidine, which is basic and polar, with tyrosine, which is neutral and polar, at codon 79 of the GOSR2 protein (p.His79Tyr). This variant is not present in population databases (gnomAD no frequency). This variant has not been reported in the literature in individuals affected with GOSR2-related conditions. ClinVar contains an entry for this variant (Variation ID: 582810). An algorithm developed to predict the effect of missense changes on protein structure and function (PolyPhen-2) suggests that this variant is likely to be disruptive. In summary, the available evidence is currently insufficient to determine the role of this variant in disease. Therefore, it has been classified as a Variant of Uncertain Significance.

NM_004287.5(GOSR2):c.235C>T (p.His79Tyr)

Genes: LRRC37A2 (leucine rich repeat containing 37 member A2), GOSR2 (golgi SNAP receptor complex member 2; plus strand), LOC126862578 (BRD4-independent group 4 enhancer GRCh37_chr17:45008344-45009543; plus strand). Cytogenetic location: 17q21.32.
Variant type: single nucleotide variant.
Coding change: c.235C>T on transcript NM_004287.5 (MANE Select); coding-DNA position 235, C replaced by T.
Protein change: p.His79Tyr; replaces histidine 79 with tyrosine.
Molecular consequence: missense variant. On other transcripts: non-coding transcript variant (3).
Genome position (GRCh38, 1-based): chr17:46,932,098, C>T. VCF-style: chr17-46932098-C-T. GRCh37 (hg19) VCF-style: chr17-45009464-C-T.
Other names: c.235C>T, p.His79Tyr (NM_001012511.3, NM_001321133.2, NM_001330252.2 and 1 more transcripts); c.181C>T, p.His61Tyr (NM_001321134.2, NM_001363851.2); c.232C>T, p.His78Tyr (NM_001353114.2, NM_001353115.2, NM_001353116.2); short protein forms H79Y, H61Y, H78Y.
Identifiers: ClinVar variation 582810 (VCV000582810.9), dbSNP rs1568171907, ClinGen allele CA400016915.